The following is an entry in ClinVar:

ClinVar aggregate classification (germline): Uncertain significance (1 of 4 stars; one submission).

Conditions:
Sialuria. Also called: SIALURIA, FRENCH TYPE; Sialic Acid Storage Disease. Identifiers: Orphanet 3166, MedGen C0342853, MONDO:0010028, OMIM 269921.
GNE myopathy (NM). Also called: INCLUSION BODY MYOPATHY, HEREDITARY, AUTOSOMAL RECESSIVE; INCLUSION BODY MYOPATHY 2, AUTOSOMAL RECESSIVE; IBM 2; Inclusion body myopathy autosomal recessive; Inclusion body myopathy quadriceps sparing; NONAKA DISTAL MYOPATHY. Identifiers: Orphanet 602, MedGen C1853926, MONDO:0011603, OMIM 605820.

Allele frequency attached by ClinVar (database versions not stated): gnomAD exomes below 0.00001.
gnomAD v4.1: 1 of 1,613,790 alleles (0.000062%); highest among the groups gnomAD compares: East Asian, 0.0022%; no homozygotes.

Submission:

Labcorp Genetics (formerly Invitae), Labcorp
Classification: Uncertain significance for Sialuria; GNE myopathy. Last evaluated: 2022-07-12. Review status: criteria provided, single submitter. Criteria: Invitae Variant Classification Sherloc (09022015). Collection method: clinical testing. Allele origin: germline.
Comment: In summary, the available evidence is currently insufficient to determine the role of this variant in disease. Therefore, it has been classified as a Variant of Uncertain Significance. Algorithms developed to predict the effect of sequence changes on RNA splicing suggest that this variant may create or strengthen a splice site. Advanced modeling of protein sequence and biophysical properties (such as structural, functional, and spatial information, amino acid conservation, physicochemical variation, residue mobility, and thermodynamic stability) performed at Invitae indicates that this missense variant is expected to disrupt GNE protein function. ClinVar contains an entry for this variant (Variation ID: 1405999). This variant is also known as p.G89S. This missense change has been observed in individual(s) with clinical features of autosomal recessive GNE-related myopathy (PMID: 23127962). This variant is not present in population databases (gnomAD no frequency). This sequence change replaces glycine, which is neutral and non-polar, with serine, which is neutral and polar, at codon 120 of the GNE protein (p.Gly120Ser).

Literature cited by the submitters: PubMed 23127962.

NM_005476.7(GNE):c.265G>A (p.Gly89Ser)

Gene: GNE (glucosamine (UDP-N-acetyl)-2-epimerase/N-acetylmannosamine kinase; minus strand). Cytogenetic location: 9p13.3.
Variant type: single nucleotide variant.
Coding change: c.265G>A on transcript NM_005476.7 (MANE Select); coding-DNA position 265, G replaced by A.
Protein change: p.Gly89Ser; replaces glycine 89 with serine.
Molecular consequence: missense variant.
Genome position (GRCh38, 1-based): chr9:36,246,382, C>T on the plus strand (G>A on the coding strand, the complement: GNE is on the minus strand). VCF-style: chr9-36246382-C-T. GRCh37 (hg19) VCF-style: chr9-36246379-C-T.
Other names: c.358G>A, p.Gly120Ser (NM_001128227.3); c.265G>A, p.Gly89Ser (NM_001190383.3, NM_001374797.1); c.88G>A, p.Gly30Ser (NM_001190384.3, NM_001190388.2, NM_001374798.1); short protein forms G120S, G89S, G30S.
Identifiers: ClinVar variation 1405999 (VCV001405999.8), dbSNP rs1829875828, ClinGen allele CA373419790.